The following is an entry in ClinVar:

ClinVar aggregate classification (germline): Uncertain significance (1 of 4 stars; one submission).

Conditions:
Cardiovascular phenotype. Identifiers: MedGen CN230736.

Submission:

Ambry Genetics
Classification: Uncertain significance for Cardiovascular phenotype. Last evaluated: 2022-01-10. Review status: criteria provided, single submitter. Criteria: Ambry Variant Classification Scheme 2023. Collection method: clinical testing. Allele origin: germline.
Comment: The p.H132R variant (also known as c.395A>G), located in coding exon 3 of the SCN4B gene, results from an A to G substitution at nucleotide position 395. The histidine at codon 132 is replaced by arginine, an amino acid with highly similar properties. This amino acid position is conserved. In addition, this alteration is predicted to be tolerated by in silico analysis. Since supporting evidence is limited at this time, the clinical significance of this alteration remains unclear.

NM_174934.4(SCN4B):c.395A>G (p.His132Arg)

Genes: SCN4B (sodium voltage-gated channel beta subunit 4; minus strand), LOC126861356 (BRD4-independent group 4 enhancer GRCh37_chr11:118014519-118015718; plus strand). Cytogenetic location: 11q23.3.
Variant type: single nucleotide variant.
Coding change: c.395A>G on transcript NM_174934.4 (MANE Select); coding-DNA position 395, A replaced by G.
Protein change: p.His132Arg; replaces histidine 132 with arginine.
Molecular consequence: missense variant. On other transcripts: intron variant (1).
Genome position (GRCh38, 1-based): chr11:118,143,901, T>C on the plus strand (A>G on the coding strand, the complement: SCN4B is on the minus strand). VCF-style: chr11-118143901-T-C. GRCh37 (hg19) VCF-style: chr11-118014616-T-C.
Other names: c.65A>G, p.His22Arg (NM_001142349.2); c.62-2565A>G (NM_001142348.2); short protein forms H132R, H22R.
Identifiers: ClinVar variation 1736491 (VCV001736491.2), dbSNP rs2497563903, ClinGen allele CA382778038.
Genomic context (GRCh38, chr11:118,143,901, plus strand): 5'-ACGACTTGGAGGAAGATGGTGGCGTGGTGCTGGAGATTATTCTCCTTGGGGTTCTTCACA[T>C]GGCAGGTGTATTTGCCCGTGTCGCTGAACTCCAGGTCCCTCAGCACAATGGAAATGTTGT-3'
Protein context (NP_777594.1, residues 122-142): EFSDTGKYTC[His132Arg]VKNPKENNLQ